The following is an entry in ClinVar:

NM_001267550.2(TTN):c.13115_13118dup (p.Gln4373fs)

Gene: TTN (titin; minus strand). Cytogenetic location: 2q31.2.
Variant type: Duplication.
Coding change: c.13115_13118dup on transcript NM_001267550.2 (MANE Select); coding-DNA positions 13115 to 13118, 4 bases duplicated (TACA; older notation c.13115_13118dupTACA).
Protein change: p.Gln4373fs; shifts the reading frame from glutamine 4373.
Molecular consequence: frameshift variant. On other transcripts: intron variant (1).
Genome position (GRCh38, 1-based): chr2:178,740,115-178,740,118, TGTA duplicated on the plus strand (TACA on the coding strand, the reverse complement: TTN is on the minus strand). VCF-style (leftmost placement, unchanged base first): chr2-178740114-C-CTGTA. GRCh37 (hg19) VCF-style: chr2-179604841-C-CTGTA.
Other names: c.12164_12167dup, p.Gln4056fs (NM_001256850.1); c.12026_12029dup, p.Gln4010fs (NM_003319.4); c.12401_12404dup, p.Gln4135fs (NM_133432.3); c.12602_12605dup, p.Gln4202fs (NM_133437.4); c.10361-1758_10361-1755dup (NM_133378.4); short protein forms Q4135fs, Q4373fs, Q4202fs, Q4010fs, Q4056fs.
Identifiers: ClinVar variation 2944581 (VCV002944581.3), dbSNP rs2530641343, ClinGen allele CA2740096273.

ClinVar aggregate classification (germline): Likely pathogenic (1 of 4 stars; one submission).

Conditions:
Dilated cardiomyopathy 1G (CMD1G). Identifiers: Orphanet 154, MedGen C1858763, MONDO:0011400, OMIM 604145.
Autosomal recessive limb-girdle muscular dystrophy type 2J (LGMDR10). Also called: Limb-girdle muscular dystrophy, type 2J; MUSCULAR DYSTROPHY, LIMB-GIRDLE, AUTOSOMAL RECESSIVE 10. Identifiers: Orphanet 140922, MedGen C1837342, MONDO:0012127, OMIM 608807.

Submission:

Labcorp Genetics (formerly Invitae), Labcorp
Classification: Likely pathogenic for Dilated cardiomyopathy 1G; Autosomal recessive limb-girdle muscular dystrophy type 2J. Last evaluated: 2024-10-18. Review status: criteria provided, single submitter. Criteria: Invitae Variant Classification Sherloc (09022015). Collection method: clinical testing. Allele origin: germline.
Comment: This sequence change creates a premature translational stop signal (p.Gln4373Hisfs*9) in the TTN gene. While this is not anticipated to result in nonsense mediated decay, it is expected to create a truncated TTN protein. This variant is not present in population databases (gnomAD no frequency). This variant has not been reported in the literature in individuals affected with TTN-related conditions. This variant is located in the I band of TTN (PMID: 25589632). Truncating variants in this region have been reported in individuals affected with autosomal recessive centronuclear myopathy (PMID: 23975875, internal data). Truncating variants in this region have also been identified in individuals affected with autosomal dominant dilated cardiomyopathy and/or cardio-related conditions (PMID: 27869827, 32964742, internal data). In summary, the currently available evidence indicates that the variant is pathogenic, but additional data are needed to prove that conclusively. Therefore, this variant has been classified as Likely Pathogenic.

Literature cited by the submitters: PubMed 25589632; PubMed 23975875; PubMed 27869827; PubMed 32964742.